The following is an entry in ClinVar:

NM_000400.4(ERCC2):c.358G>C (p.Glu120Gln)

Gene: ERCC2 (ERCC excision repair 2, TFIIH core complex helicase subunit; minus strand). Cytogenetic location: 19q13.32.
Variant type: single nucleotide variant.
Coding change: c.358G>C on transcript NM_000400.4 (MANE Select); coding-DNA position 358, G replaced by C.
Protein change: p.Glu120Gln; replaces glutamic acid 120 with glutamine.
Molecular consequence: missense variant.
Genome position (GRCh38, 1-based): chr19:45,368,632, C>G on the plus strand (G>C on the coding strand, the complement: ERCC2 is on the minus strand). VCF-style: chr19-45368632-C-G. GRCh37 (hg19) VCF-style: chr19-45871890-C-G.
Other names: c.286G>C, p.Glu96Gln (NM_001130867.2); short protein forms E120Q, E96Q.
Identifiers: ClinVar variation 2978800 (VCV002978800.4), dbSNP rs2514043593, ClinGen allele CA406377915.
Genomic context (GRCh38, chr19:45,368,632, plus strand): 5'-GACGAAAGAGTTTTCTCTACCTCTGGGCTAAGGGCAAGGAGAAGGAACAGGTGCTCACCT[C>G]AGGGTGAATACACAAGTTTTTGCGGGAGCTCAGAGCCAGTCCCAGAAACGGCAGCTTCTC-3'
Protein context (NP_000391.1, residues 110-130): SSRKNLCIHP[Glu120Gln]VTPLRFGKDV

ClinVar aggregate classification (germline): Uncertain significance. Review status: criteria provided, multiple submitters, no conflicts (2 of 4 stars). 2 submissions from 2 submitters: Uncertain significance (2). Last evaluated 2024-06-04.

Conditions:
Inborn genetic diseases. Identifiers: MedGen C0950123, MeSH D030342.

Submissions (2):

Ambry Genetics
Classification: Uncertain significance for Inborn genetic diseases. Last evaluated: 2024-06-04. Review status: criteria provided, single submitter. Criteria: Ambry Variant Classification Scheme 2023. Collection method: clinical testing. Allele origin: germline.
Comment: The p.E120Q variant (also known as c.358G>C), located in coding exon 5 of the ERCC2 gene, results from a G to C substitution at nucleotide position 358. The glutamic acid at codon 120 is replaced by glutamine, an amino acid with highly similar properties. This amino acid position is conserved. In addition, the in silico prediction for this alteration is inconclusive. Based on the available evidence, the clinical significance of this variant remains unclear.

Labcorp Genetics (formerly Invitae), Labcorp
Classification: Uncertain significance. Last evaluated: 2023-01-15. Review status: criteria provided, single submitter. Criteria: Invitae Variant Classification Sherloc (09022015). Collection method: clinical testing. Allele origin: germline.
Comment: This sequence change replaces glutamic acid, which is acidic and polar, with glutamine, which is neutral and polar, at codon 120 of the ERCC2 protein (p.Glu120Gln). This variant is not present in population databases (gnomAD no frequency). This variant has not been reported in the literature in individuals affected with ERCC2-related conditions. Algorithms developed to predict the effect of missense changes on protein structure and function are either unavailable or do not agree on the potential impact of this missense change (SIFT: "Deleterious"; PolyPhen-2: "Benign"; Align-GVGD: "Class C0"). In summary, the available evidence is currently insufficient to determine the role of this variant in disease. Therefore, it has been classified as a Variant of Uncertain Significance.